The following is an entry in ClinVar:

NM_004415.4(DSP):c.472G>A (p.Val158Ile)

Gene: DSP (desmoplakin; plus strand). Cytogenetic location: 6p24.3.
Variant type: single nucleotide variant.
Coding change: c.472G>A on transcript NM_004415.4 (MANE Select); coding-DNA position 472, G replaced by A.
Protein change: p.Val158Ile; replaces valine 158 with isoleucine.
Molecular consequence: missense variant.
Genome position (GRCh38, 1-based): chr6:7,559,275, G>A. VCF-style: chr6-7559275-G-A. GRCh37 (hg19) VCF-style: chr6-7559508-G-A.
Other names: c.472G>A, p.Val158Ile (NM_001008844.3, NM_001319034.2, NM_001406591.1); short protein forms V158I.
Identifiers: ClinVar variation 3386617 (VCV003386617.1).
Genomic context (GRCh38, chr6:7,559,275, plus strand): 5'-TTTCTTTGCAGGCTTCTTCAGCTCCAAGAGCAAATGCGAGCCCTTTATAAAGCCATCAGT[G>A]TCCCTCGAGTCCGCAGGGCCAGCTCCAAGGGTGGTGGAGGCTACACTTGTCAGAGTGGCT-3'
Protein context (NP_004406.2, residues 148-168): QMRALYKAIS[Val158Ile]PRVRRASSKG

ClinVar aggregate classification (germline): Uncertain significance (1 of 4 stars; one submission).

Conditions:
Arrhythmogenic cardiomyopathy with wooly hair and keratoderma. Also called: Carvajal syndrome; PALMOPLANTAR KERATODERMA WITH LEFT VENTRICULAR CARDIOMYOPATHY AND WOOLLY HAIR; Dilated cardiomyopathy with woolly hair and keratoderma; Arrhythmogenic cardiomyopathy with woolly hair and keratoderma. Identifiers: Orphanet 65282, MedGen C1854063, MONDO:0011581, OMIM 605676.

Submission:

All of Us Research Program, National Institutes of Health
Classification: Uncertain significance for Arrhythmogenic cardiomyopathy with wooly hair and keratoderma. Last evaluated: 2024-06-09. Review status: criteria provided, single submitter. Criteria: ACMG Guidelines, 2015. Collection method: clinical testing. Allele origin: germline. Inheritance: Autosomal dominant inheritance. Observed: 1 variant allele, 1 heterozygote.
Comment: This missense variant replaces valine with isoleucine at codon 158 of the DSP protein. Computational prediction suggests that this variant may not impact protein structure and function (internally defined REVEL score threshold <= 0.5, PMID: 27666373). To our knowledge, functional studies have not been reported for this variant. This variant has not been reported in individuals affected with DSP-related disorders in the literature. This variant has not been identified in the general population by the Genome Aggregation Database (gnomAD). The available evidence is insufficient to determine the role of this variant in disease conclusively. Therefore, this variant is classified as a Variant of Uncertain Significance.

This study involves interpretation of variants in research participants for the purpose of population health screening. Participant phenotype was not available at the time of variant classification. Additional details can be found in publication PMID: 35346344, PMCID: PMC8962531